The following is an entry in ClinVar:

ClinVar aggregate classification (germline): Uncertain significance (1 of 4 stars; one submission).

Conditions:
Wilms tumor 1 (WT1). Also called: Wilms tumor, somatic. Identifiers: Orphanet 654, MedGen CN033288, MONDO:0008679, OMIM 194070.

Submission:

Labcorp Genetics (formerly Invitae), Labcorp
Classification: Uncertain significance for Wilms tumor 1. Last evaluated: 2023-11-21. Review status: criteria provided, single submitter. Criteria: Invitae Variant Classification Sherloc (09022015). Collection method: clinical testing. Allele origin: germline.
Comment: This sequence change replaces leucine, which is neutral and non-polar, with proline, which is neutral and non-polar, at codon 198 of the GPC3 protein (p.Leu198Pro). This variant is not present in population databases (gnomAD no frequency). This variant has not been reported in the literature in individuals affected with GPC3-related conditions. Advanced modeling of protein sequence and biophysical properties (such as structural, functional, and spatial information, amino acid conservation, physicochemical variation, residue mobility, and thermodynamic stability) performed at Invitae indicates that this missense variant is expected to disrupt GPC3 protein function with a positive predictive value of 80%. In summary, the available evidence is currently insufficient to determine the role of this variant in disease. Therefore, it has been classified as a Variant of Uncertain Significance.

NM_004484.4(GPC3):c.593T>C (p.Leu198Pro)

Gene: GPC3 (glypican 3; minus strand). Cytogenetic location: Xq26.2.
Variant type: single nucleotide variant.
Coding change: c.593T>C on transcript NM_004484.4 (MANE Select); coding-DNA position 593, T replaced by C.
Protein change: p.Leu198Pro; replaces leucine 198 with proline.
Molecular consequence: missense variant.
Genome position (GRCh38, 1-based): chrX:133,753,921, A>G on the plus strand (T>C on the coding strand, the complement: GPC3 is on the minus strand). VCF-style: chrX-133753921-A-G. GRCh37 (hg19) VCF-style: chrX-132887948-A-G.
Other names: c.593T>C, p.Leu198Pro (NM_001164617.2); c.545T>C, p.Leu182Pro (NM_001164618.2); c.431T>C, p.Leu144Pro (NM_001164619.2); short protein forms L198P, L144P, L182P.
Identifiers: ClinVar variation 2754751 (VCV002754751.3), dbSNP rs2521356756, ClinGen allele CA414706278.